The following is an entry in ClinVar:

ClinVar aggregate classification (germline): Uncertain significance (1 of 4 stars; one submission).

Conditions:
Dyskeratosis congenita, autosomal dominant 2. Identifiers: MedGen C3151443, MONDO:0013521, OMIM 613989.
Idiopathic Pulmonary Fibrosis. Also called: Idiopathic fibrosing alveolitis, chronic form; idiopathic fibrosing alveolitis. Identifiers: Orphanet 2032, MedGen C1800706, MeSH D054990, MONDO:0800504.

Submission:

Labcorp Genetics (formerly Invitae), Labcorp
Classification: Uncertain significance for Dyskeratosis congenita, autosomal dominant 2; Idiopathic Pulmonary Fibrosis. Last evaluated: 2024-04-13. Review status: criteria provided, single submitter. Criteria: Invitae Variant Classification Sherloc (09022015). Collection method: clinical testing. Allele origin: germline.
Comment: This sequence change replaces leucine, which is neutral and non-polar, with valine, which is neutral and non-polar, at codon 285 of the TERT protein (p.Leu285Val). This variant is not present in population databases (gnomAD no frequency). This variant has not been reported in the literature in individuals affected with TERT-related conditions. Advanced modeling of protein sequence and biophysical properties (such as structural, functional, and spatial information, amino acid conservation, physicochemical variation, residue mobility, and thermodynamic stability) has been performed at Invitae for this missense variant, however the output from this modeling did not meet the statistical confidence thresholds required to predict the impact of this variant on TERT protein function. In summary, the available evidence is currently insufficient to determine the role of this variant in disease. Therefore, it has been classified as a Variant of Uncertain Significance.

NM_198253.3(TERT):c.853T>G (p.Leu285Val)

Gene: TERT (telomerase reverse transcriptase; minus strand). Cytogenetic location: 5p15.33.
Variant type: single nucleotide variant.
Coding change: c.853T>G on transcript NM_198253.3 (MANE Select); coding-DNA position 853, T replaced by G.
Protein change: p.Leu285Val; replaces leucine 285 with valine.
Molecular consequence: missense variant. On other transcripts: non-coding transcript variant (2).
Genome position (GRCh38, 1-based): chr5:1,294,033, A>C on the plus strand (T>G on the coding strand, the complement: TERT is on the minus strand). VCF-style: chr5-1294033-A-C. GRCh37 (hg19) VCF-style: chr5-1294148-A-C.
Other names: c.853T>G, p.Leu285Val (NM_001193376.3); short protein forms L285V.
Identifiers: ClinVar variation 3755806 (VCV003755806.2).
Genomic context (GRCh38, chr5:1,294,033, plus strand): 5'-CGTGGTGCTGGCGGCCCACGGATGGGTGGGAGTGGCGCGTGCCAGAGAGCGCACCCTCCA[A>C]AGAGGTGGCTTCTTCGGCGGGTCTGGCAGGTGACACCACACAGAAACCACGGTCACTCGG-3'
Protein context (NP_937983.2, residues 275-295): PARPAEEATS[Leu285Val]EGALSGTRHS